The following is an entry in ClinVar:

NM_004260.4(RECQL4):c.3494_3502+8del

Gene: RECQL4 (RecQ like helicase 4; minus strand). Cytogenetic location: 8q24.3.
Variant type: Deletion.
Coding change: c.3494_3502+8del on transcript NM_004260.4 (MANE Select); coding-DNA position 3494 through 8 bases into the intron after coding-DNA position 3502, 17 bases deleted (ACGGCATCGGTGAGGCC).
Molecular consequence: splice donor variant.
Genome position (GRCh38, 1-based): chr8:144,511,673-144,511,689, GGCCTCACCGATGCCGT deleted on the plus strand (ACGGCATCGGTGAGGCC on the coding strand, the reverse complement: RECQL4 is on the minus strand); deleting any 17 consecutive bases within chr8:144,511,673-144,511,691 gives the same sequence; the c. name uses the placement nearest the transcript's 3' end. VCF-style (leftmost placement, unchanged base first): chr8-144511672-AGGCCTCACCGATGCCGT-A. GRCh37 (hg19) VCF-style: chr8-145737055-AGGCCTCACCGATGCCGT-A.
Other names: c.3200_3208+8del (NM_001413017.1); c.3398_3406+8del (NM_001413020.1); c.2357_2365+8del (NM_001413027.1, NM_001413030.1, NM_001413032.1); c.3464_3472+8del (NM_001413039.1); c.3362_3370+8del (NM_001413033.1); c.3296_3304+8del (NM_001413018.1); c.3503_3511+8del (NM_001413036.1); c.3569_3577+8del (NM_001413019.1); and 9 more.
Identifiers: ClinVar variation 2754897 (VCV002754897.3), dbSNP rs2537964136, ClinGen allele CA2697550226.

ClinVar aggregate classification (germline): Uncertain significance (1 of 4 stars; one submission).

Conditions:
Baller-Gerold syndrome (BGS). Also called: CRANIOSYNOSTOSIS WITH RADIAL DEFECTS. Identifiers: Orphanet 1225, MedGen C0265308, MONDO:0009039, OMIM 218600.

Submission:

Labcorp Genetics (formerly Invitae), Labcorp
Classification: Uncertain significance for Baller-Gerold syndrome. Last evaluated: 2023-08-24. Review status: criteria provided, single submitter. Criteria: Invitae Variant Classification Sherloc (09022015). Collection method: clinical testing. Allele origin: germline.
Comment: In summary, the available evidence is currently insufficient to determine the role of this variant in disease. Therefore, it has been classified as a Variant of Uncertain Significance. Variants that disrupt the consensus splice site are a relatively common cause of aberrant splicing (PMID: 17576681, 9536098). This variant has not been reported in the literature in individuals affected with RECQL4-related conditions. This variant is not present in population databases (gnomAD no frequency). This variant results in the deletion of part of exon 20 (c.3494_3502+8del) of the RECQL4 gene. While this variant is not anticipated to result in nonsense mediated decay, it likely alters RNA splicing and results in a disrupted protein product.

Literature cited by the submitters: PubMed 17576681; PubMed 9536098.